The following is an entry in ClinVar:

NM_000021.4(PSEN1):c.263C>A (p.Pro88His)

Gene: PSEN1 (presenilin 1; plus strand). Cytogenetic location: 14q24.2.
Variant type: single nucleotide variant.
Coding change: c.263C>A on transcript NM_000021.4 (MANE Select); coding-DNA position 263, C replaced by A.
Protein change: p.Pro88His; replaces proline 88 with histidine.
Molecular consequence: missense variant.
Genome position (GRCh38, 1-based): chr14:73,170,972, C>A. VCF-style: chr14-73170972-C-A. GRCh37 (hg19) VCF-style: chr14-73637680-C-A.
Other names: c.251C>A, p.Pro84His (NM_007318.3); short protein forms P84H, P88H.
Identifiers: ClinVar variation 4689754 (VCV004689754.1).

ClinVar aggregate classification (germline): Likely pathogenic (1 of 4 stars; one submission).

Conditions:
Alzheimer disease 3 (AD3). Also called: ALZHEIMER DISEASE, FAMILIAL, 3. Identifiers: Orphanet 1020, MedGen C1843013, MONDO:0011913, OMIM 607822.

Submission:

Women's Health and Genetics/Laboratory Corporation of America, LabCorp
Classification: Likely pathogenic for Alzheimer disease 3. Last evaluated: 2026-01-30. Review status: criteria provided, single submitter. Criteria: LabCorp Variant Classification Summary - May 2015. Collection method: clinical testing. Allele origin: germline.
Comment: Variant summary: PSEN1 c.263C>A (p.Pro88His) results in a non-conservative amino acid change in the encoded protein sequence. Algorithms developed to predict the effect of missense changes on protein structure and function all suggest that this variant is likely to be disruptive. The variant was absent in 251434 control chromosomes. c.263C>A has been observed in individuals affected with Alzheimer Disease, Type 3 and also with family history of early onset Alzheimer Disease (Lanoiselee_2017, internal data). These data indicate that the variant may be associated with disease. A different variant affecting the same codon has been classified as likely pathogenic (c.263C>G, p.P88R), supporting the critical relevance of codon 88 to PSEN1 protein function. To our knowledge, no experimental evidence demonstrating an impact on protein function has been reported. The following publications have been ascertained in the context of this evaluation (PMID: 28350801). No submitters have cited clinical-significance assessments for this variant to ClinVar. Based on the evidence outlined above, the variant was classified as likely pathogenic.

Literature cited by the submitters: PubMed 28350801.